The following is an entry in ClinVar:

NM_020791.4(TAOK1):c.1787A>C (p.Gln596Pro)

Gene: TAOK1 (TAO kinase 1; plus strand). Cytogenetic location: 17q11.2.
Variant type: single nucleotide variant.
Coding change: c.1787A>C on transcript NM_020791.4 (MANE Select); coding-DNA position 1787, A replaced by C.
Protein change: p.Gln596Pro; replaces glutamine 596 with proline.
Molecular consequence: missense variant. On other transcripts: intron variant (1).
Genome position (GRCh38, 1-based): chr17:29,517,535, A>C. VCF-style: chr17-29517535-A-C. GRCh37 (hg19) VCF-style: chr17-27844553-A-C.
Other names: c.1704+6543A>C (NM_025142.1); short protein forms Q596P.
Identifiers: ClinVar variation 3338590 (VCV003338590.1).
Genomic context (GRCh38, chr17:29,517,535, plus strand): 5'-CCCCCAAAAAAGAAAAACAGGAGTGGCTTTCAAAGCAGAAGGAGAATATACAGCATTTCC[A>C]AGCAGAAGAAGAAGCTAACCTTCTTCGACGTCAAAGACAATACCTAGAGCTGGAATGCCG-3'
Protein context (NP_065842.1, residues 586-606): SKQKENIQHF[Gln596Pro]AEEEANLLRR

ClinVar aggregate classification (germline): Uncertain significance (1 of 4 stars; one submission).

Submission:

Greenwood Genetic Center Diagnostic Laboratories, Greenwood Genetic Center
Classification: Uncertain significance. Last evaluated: 2024-04-18. Review status: criteria provided, single submitter. Criteria: ACMG Guidelines, 2015. Collection method: clinical testing. Allele origin: germline. Affected: yes.
Comment: PM2, PP2, PP3